The following is an entry in ClinVar:

NM_018094.5(GSPT2):c.1021G>A (p.Val341Ile)

Gene: GSPT2 (G1 to S phase transition 2; plus strand). Cytogenetic location: Xp11.22.
Variant type: single nucleotide variant.
Coding change: c.1021G>A on transcript NM_018094.5 (MANE Select); coding-DNA position 1021, G replaced by A.
Protein change: p.Val341Ile; replaces valine 341 with isoleucine.
Molecular consequence: missense variant.
Genome position (GRCh38, 1-based): chrX:51,744,647, G>A. VCF-style: chrX-51744647-G-A. GRCh37 (hg19) VCF-style: chrX-51487743-G-A.
Other names: short protein forms V341I.
Identifiers: ClinVar variation 375379 (VCV000375379.1), dbSNP rs1057519440, ClinGen allele CA16044244.

ClinVar aggregate classification (germline): Pathogenic (0 of 4 stars; one submission).

Conditions:
Delayed speech and language development. Also called: Language delay. Identifiers: MedGen C0454644, HP:0000750.
Seizure. Also called: Seizures. Identifiers: MedGen C0036572, HP:0001250.
Autism (AUTS). Also called: Autistic disorder; Autistic disorder of childhood onset. Identifiers: MedGen C0004352, MeSH D001321, MONDO:0005260, OMIM 209850, HP:0000717.

Allele frequency attached by ClinVar (database versions not stated): gnomAD exomes below 0.00001.
gnomAD v4.1: 2 of 1,210,551 alleles (0.00017%); highest among the groups gnomAD compares: Non-Finnish European, 0.00022%; no homozygotes.

Submission:

Lupski Lab, Baylor-Hopkins CMG, Baylor College of Medicine
Classification: Pathogenic for Autism; Delayed speech and language development; Seizure. Review status: no assertion criteria provided. Collection method: research. Allele origin: de novo. Inheritance: Autosomal dominant inheritance. Affected: yes.